The following is an entry in ClinVar:

ClinVar aggregate classification (germline): Uncertain significance. Review status: criteria provided, multiple submitters, no conflicts (2 of 4 stars). 2 submissions from 2 submitters: Uncertain significance (2). Last evaluated 2025-08-07.

Conditions:
Baller-Gerold syndrome (BGS). Also called: CRANIOSYNOSTOSIS WITH RADIAL DEFECTS. Identifiers: Orphanet 1225, MedGen C0265308, MONDO:0009039, OMIM 218600.

Allele frequency attached by ClinVar (database versions not stated): gnomAD exomes below 0.00001 and 0.00002; ExAC 0.00001; gnomAD 0.00001 and 0.00002; TOPMed 0.00001.
gnomAD v4.1: 32 of 1,612,380 alleles (0.002%); highest among the groups gnomAD compares: South Asian, 0.016%; 1 homozygote.

Submissions (2):

Labcorp Genetics (formerly Invitae), Labcorp
Classification: Uncertain significance for Baller-Gerold syndrome. Last evaluated: 2025-08-07. Review status: criteria provided, single submitter. Criteria: Invitae Variant Classification Sherloc (09022015). Collection method: clinical testing. Allele origin: germline.
Comment: This sequence change replaces threonine, which is neutral and polar, with methionine, which is neutral and non-polar, at codon 1200 of the RECQL4 protein (p.Thr1200Met). This variant is present in population databases (rs770138542, gnomAD 0.003%). This variant has not been reported in the literature in individuals affected with RECQL4-related conditions. ClinVar contains an entry for this variant (Variation ID: 666107). Invitae Evidence Modeling of protein sequence and biophysical properties (such as structural, functional, and spatial information, amino acid conservation, physicochemical variation, residue mobility, and thermodynamic stability) indicates that this missense variant is expected to disrupt RECQL4 protein function with a positive predictive value of 80%. In summary, the available evidence is currently insufficient to determine the role of this variant in disease. Therefore, it has been classified as a Variant of Uncertain Significance.

GeneDx
Classification: Uncertain significance. Last evaluated: 2020-01-07. Review status: criteria provided, single submitter. Criteria: GeneDx Variant Classification Process June 2021. Collection method: clinical testing. Allele origin: germline. Affected: yes.
Comment: Not observed at a significant frequency in large population cohorts (Lek et al., 2016); In silico analysis, which includes protein predictors and evolutionary conservation, supports a deleterious effect; Has not been previously published as pathogenic or benign to our knowledge

NM_004260.4(RECQL4):c.3599C>T (p.Thr1200Met)

Gene: RECQL4 (RecQ like helicase 4; minus strand). Cytogenetic location: 8q24.3.
Variant type: single nucleotide variant.
Coding change: c.3599C>T on transcript NM_004260.4 (MANE Select); coding-DNA position 3599, C replaced by T.
Protein change: p.Thr1200Met; replaces threonine 1200 with methionine.
Molecular consequence: missense variant.
Genome position (GRCh38, 1-based): chr8:144,511,459, G>A on the plus strand (C>T on the coding strand, the complement: RECQL4 is on the minus strand). VCF-style: chr8-144511459-G-A. GRCh37 (hg19) VCF-style: chr8-145736842-G-A.
Other names: short protein forms T1200M.
Identifiers: ClinVar variation 666107 (VCV000666107.9), dbSNP rs770138542, ClinGen allele CA4947628.